The following is an entry in ClinVar:

NM_206933.4(USH2A):c.7225A>C (p.Thr2409Pro)

Gene: USH2A (usherin; minus strand). Cytogenetic location: 1q41.
Variant type: single nucleotide variant.
Coding change: c.7225A>C on transcript NM_206933.4 (MANE Select); coding-DNA position 7225, A replaced by C.
Protein change: p.Thr2409Pro; replaces threonine 2409 with proline.
Molecular consequence: missense variant.
Genome position (GRCh38, 1-based): chr1:215,934,691, T>G on the plus strand (A>C on the coding strand, the complement: USH2A is on the minus strand). VCF-style: chr1-215934691-T-G. GRCh37 (hg19) VCF-style: chr1-216108033-T-G.
Other names: short protein forms T2409P.
Identifiers: ClinVar variation 1065665 (VCV001065665.10), dbSNP rs2102499658, ClinGen allele CA344857484.

ClinVar aggregate classification (germline): Uncertain significance. Review status: criteria provided, multiple submitters, no conflicts (2 of 4 stars). 5 submissions from 4 submitters: Uncertain significance (5). Last evaluated 2023-11-04.

Conditions:
Retinitis pigmentosa 39 (RP39). Identifiers: Orphanet 791, MedGen C3151138, MONDO:0013436, OMIM 613809.
Usher syndrome type 2A. Also called: RETINAL DISEASE IN USHER SYNDROME TYPE IIA, MODIFIER OF; USHER SYNDROME, TYPE IIA. Identifiers: Orphanet 231178, Orphanet 886, MedGen C1848634, MONDO:0010169, OMIM 276901.

Submissions (5):

Genome-Nilou Lab
Classification: Uncertain significance for Retinitis pigmentosa 39. Last evaluated: 2023-11-04. Review status: criteria provided, single submitter. Criteria: ACMG Guidelines, 2015. Collection method: clinical testing. Allele origin: germline. Affected: no.

Genome-Nilou Lab
Classification: Uncertain significance for Usher syndrome type 2A. Last evaluated: 2023-11-04. Review status: criteria provided, single submitter. Criteria: ACMG Guidelines, 2015. Collection method: clinical testing. Allele origin: germline. Affected: no.

Labcorp Genetics (formerly Invitae), Labcorp
Classification: Uncertain significance. Last evaluated: 2022-06-20. Review status: criteria provided, single submitter. Criteria: Invitae Variant Classification Sherloc (09022015). Collection method: clinical testing. Allele origin: germline.
Comment: Algorithms developed to predict the effect of missense changes on protein structure and function are either unavailable or do not agree on the potential impact of this missense change (SIFT: "Deleterious"; PolyPhen-2: "Possibly Damaging"; Align-GVGD: "Class C0"). In summary, the available evidence is currently insufficient to determine the role of this variant in disease. Therefore, it has been classified as a Variant of Uncertain Significance. This variant is not present in population databases (gnomAD no frequency). This sequence change replaces threonine, which is neutral and polar, with proline, which is neutral and non-polar, at codon 2409 of the USH2A protein (p.Thr2409Pro). This variant has not been reported in the literature in individuals affected with USH2A-related conditions. ClinVar contains an entry for this variant (Variation ID: 1065665).

Ocular Genomics Institute, Massachusetts Eye and Ear
Classification: Uncertain significance for Retinitis pigmentosa 39. Last evaluated: 2021-04-08. Review status: criteria provided, single submitter. Criteria: ACMG Guidelines, 2015. Collection method: research. Allele origin: germline. Affected: yes.
Comment: Through a review of available evidence we were able to apply the following criteria: PM2. Based on this evidence we have classified this variant as Variant of Uncertain Significance.

Blueprint Genetics
Classification: Uncertain significance. Last evaluated: 2019-12-17. Review status: criteria provided, single submitter. Criteria: ACMG Guidelines, 2015. Collection method: clinical testing. Allele origin: germline.